The following is an entry in ClinVar:

ClinVar aggregate classification (germline): Likely pathogenic (1 of 4 stars; one submission).

Conditions:
Joubert syndrome. Also called: CEREBELLOPARENCHYMAL DISORDER IV; JOUBERT-BOLTSHAUSER SYNDROME; Familial aplasia of the vermis. Identifiers: Orphanet 475, MedGen C5979921, MONDO:0018772.
Meckel-Gruber syndrome. Also called: DYSENCEPHALIA SPLANCHNOCYSTICA; GRUBER SYNDROME; Dysencephalia splachnocystica. Identifiers: Orphanet 564, MedGen C0265215, MONDO:0018921.

Submission:

Labcorp Genetics (formerly Invitae), Labcorp
Classification: Likely pathogenic for Joubert syndrome; Meckel-Gruber syndrome. Last evaluated: 2022-04-30. Review status: criteria provided, single submitter. Criteria: Invitae Variant Classification Sherloc (09022015). Collection method: clinical testing. Allele origin: germline.
Comment: Advanced modeling of protein sequence and biophysical properties (such as structural, functional, and spatial information, amino acid conservation, physicochemical variation, residue mobility, and thermodynamic stability) performed at Invitae indicates that this missense variant is expected to disrupt TMEM67 protein function. This variant has not been reported in the literature in individuals affected with TMEM67-related conditions. This variant is not present in population databases (gnomAD no frequency). This sequence change replaces arginine, which is basic and polar, with serine, which is neutral and polar, at codon 549 of the TMEM67 protein (p.Arg549Ser). In summary, the currently available evidence indicates that the variant is pathogenic, but additional data are needed to prove that conclusively. Therefore, this variant has been classified as Likely Pathogenic. This variant disrupts the p.Arg549 amino acid residue in TMEM67. Other variant(s) that disrupt this residue have been determined to be pathogenic (PMID: 21493627, 23351400, 26035863). This suggests that this residue is clinically significant, and that variants that disrupt this residue are likely to be disease-causing.

Literature cited by the submitters: PubMed 21493627; PubMed 23351400; PubMed 26035863.

NM_153704.6(TMEM67):c.1645C>A (p.Arg549Ser)

Gene: TMEM67 (transmembrane protein 67; plus strand). Cytogenetic location: 8q22.1.
Variant type: single nucleotide variant.
Coding change: c.1645C>A on transcript NM_153704.6 (MANE Select); coding-DNA position 1645, C replaced by A.
Protein change: p.Arg549Ser; replaces arginine 549 with serine.
Molecular consequence: missense variant. On other transcripts: non-coding transcript variant (1).
Genome position (GRCh38, 1-based): chr8:93,793,267, C>A. VCF-style: chr8-93793267-C-A. GRCh37 (hg19) VCF-style: chr8-94805495-C-A.
Other names: c.1402C>A, p.Arg468Ser (NM_001142301.1); short protein forms R468S, R549S.
Identifiers: ClinVar variation 2140289 (VCV002140289.4), dbSNP rs747025617, ClinGen allele CA371691389.
Genomic context (GRCh38, chr8:93,793,267, plus strand): 5'-GGTGTATTGGGTGGGCTAGCTGTTTTAGCATCTCTTTTGAAGACAGCAGGATGGAAGAGG[C>A]GCATTGGGAGTCCCATGATTGATTTACAGGTATAATCTCAGGAGTTTTTTAAGAATATTT-3'
Protein context (NP_714915.3, residues 539-559): SLLKTAGWKR[Arg549Ser]IGSPMIDLQT